The following is an entry in ClinVar:

NM_002529.4(NTRK1):c.1741del (p.Glu581fs)

Gene: NTRK1 (neurotrophic receptor tyrosine kinase 1; plus strand). Cytogenetic location: 1q23.1.
Variant type: Deletion.
Coding change: c.1741del on transcript NM_002529.4 (MANE Select); coding-DNA position 1741, one base deleted (G; older notation c.1741delG).
Protein change: p.Glu581fs; shifts the reading frame from glutamic acid 581.
Molecular consequence: frameshift variant.
Genome position (GRCh38, 1-based): chr1:156,876,508, G deleted. VCF-style (leftmost placement, unchanged base first): chr1-156876507-CG-C. GRCh37 (hg19) VCF-style: chr1-156846299-CG-C.
Other names: c.1741delG, p.Glu581Argfs (NM_001007204.1); c.1633del, p.Glu545fs (NM_001007792.1); c.1723del, p.Glu575fs (NM_001012331.2); short protein forms E545fs, E575fs, E581fs.
Identifiers: ClinVar variation 2501094 (VCV002501094.1), dbSNP rs769508694, ClinGen allele CA1169455.
Genomic context (GRCh38, chr1:156,876,507, plus strand): 5'-GGCTGAGCTGCTCACCATGCTGCAGCACCAGCACATCGTGCGCTTCTTCGGCGTCTGCAC[CG>C]AGGGCCGCCCCCTGCTCATGGTCTTTGAGTATATGCGGCACGGGGACCTCAACCGCTTCC-3'

ClinVar aggregate classification (germline): Likely pathogenic (1 of 4 stars; one submission).

Conditions:
Hereditary insensitivity to pain with anhidrosis (CIPA). Also called: NEUROPATHY, CONGENITAL SENSORY, WITH ANHIDROSIS; NTRK1 Congenital Insensitivity to Pain with Anhidrosis; hereditary sensory and autonomic neuropathy type 4; INSENSITIVITY TO PAIN, CONGENITAL, WITH ANHIDROSIS; FAMILIAL DYSAUTONOMIA, TYPE II; HSAN Type IV. Identifiers: Orphanet 642, MedGen C0020074, MONDO:0009746, OMIM 256800.

Allele frequency attached by ClinVar (database versions not stated): gnomAD exomes below 0.00001; TOPMed below 0.00001; ExAC 0.00001; gnomAD 0.00001.

Submission:

Women's Health and Genetics/Laboratory Corporation of America, LabCorp
Classification: Likely pathogenic for Hereditary insensitivity to pain with anhidrosis. Last evaluated: 2023-03-22. Review status: criteria provided, single submitter. Criteria: LabCorp Variant Classification Summary - May 2015. Collection method: clinical testing. Allele origin: germline.
Comment: Variant summary: NTRK1 c.1723delG (p.Glu575ArgfsX77) results in a premature termination codon, predicted to cause a truncation of the encoded protein or absence of the protein due to nonsense mediated decay, which are commonly known mechanisms for disease. Truncations downstream of this position are reported in affected individuals (HGMD). The variant allele was found at a frequency of 4e-06 in 250340 control chromosomes (gnomAD). To our knowledge, no occurrence of c.1723delG in individuals affected with Hereditary Insensitivity To Pain With Anhidrosis and no experimental evidence demonstrating its impact on protein function have been reported. No submitters have provided clinical-significance assessments for this variant to ClinVar after 2014. Based on the evidence outlined above, the variant was classified as likely pathogenic.